The following is an entry in ClinVar:

NM_080916.3(DGUOK):c.129C>G (p.Ile43Met)

Genes: DGUOK (deoxyguanosine kinase; plus strand), LOC129934096 (ATAC-STARR-seq lymphoblastoid active region 16036; plus strand). Cytogenetic location: 2p13.1.
Variant type: single nucleotide variant.
Coding change: c.129C>G on transcript NM_080916.3 (MANE Select); coding-DNA position 129, C replaced by G.
Protein change: p.Ile43Met; replaces isoleucine 43 with methionine.
Molecular consequence: missense variant. On other transcripts: 5 prime UTR variant (4), non-coding transcript variant (6).
Genome position (GRCh38, 1-based): chr2:73,927,039, C>G. VCF-style: chr2-73927039-C-G. GRCh37 (hg19) VCF-style: chr2-74154166-C-G.
Other names: p.Ile43Met; c.129C>G, p.Ile43Met (NM_001318859.2, NM_080918.3); c.-50C>G (NM_001318860.2, NM_001318863.2); c.-136C>G (NM_001318861.2, NM_001318862.2); short protein forms I43M.
Identifiers: ClinVar variation 3380824 (VCV003380824.1).

ClinVar aggregate classification (germline): Uncertain significance (1 of 4 stars; one submission).

gnomAD v4.1: 43 of 1,609,392 alleles (0.0027%); highest among the groups gnomAD compares: Non-Finnish European, 0.0036%; no homozygotes.

Submission:

Mayo Clinic Laboratories, Mayo Clinic
Classification: Uncertain significance. Last evaluated: 2023-08-30. Review status: criteria provided, single submitter. Criteria: ACMG Guidelines, 2015. Collection method: clinical testing. Allele origin: germline. Observed: 1 variant allele.
Comment: PP3, PM2_moderate